The following is an entry in ClinVar:

ClinVar aggregate classification (germline): Likely benign (1 of 4 stars; one submission).

Conditions:
Leigh syndrome (NULS). Also called: Leigh's necrotizing encephalopathy; Leigh's disease; Leigh Syndrome (mtDNA deletion); Leigh Disease; Subacute necrotizing encephalopathy; Necrotizing encephalopathy infantile subacute of Leigh. Identifiers: Orphanet 506, MedGen C2931891, MONDO:0009723, OMIM 256000.

Submission:

Wong Mito Lab, Molecular and Human Genetics, Baylor College of Medicine
Classification: Likely benign for Leigh syndrome. Last evaluated: 2019-10-17. Review status: criteria provided, single submitter. Criteria: Modified ACMG Guidelines (Unpublished). Collection method: clinical testing. Allele origin: germline.
Comment: The NC_012920.1:m.12011T>C (YP_003024035.1:p.Ser418Pro) variant in MTND4 gene is interpretated to be a Likely Benign variant based on the modified ACMG guidelines (unpublished). This variant meets the following evidence codes: BS1, BP4, BP6

NC_012920.1(MT-ND4):m.12011T>C

Gene: MT-ND4 (mitochondrially encoded NADH dehydrogenase 4; plus strand).
Variant type: single nucleotide variant.
Genome position: chrM-12011-T-C.
Identifiers: ClinVar variation 693397 (VCV000693397.1), dbSNP rs386829144, ClinGen allele CA337099368.
Genomic context (GRCh38, chrMT:12,011, plus strand): 5'-CTCAACATACTAGTCACAGCCCTATACTCCCTCTACATATTTACCACAACACAATGGGGC[T>C]CACTCACCCACCACATTAACAACATAAAACCCTCATTCACACGAGAAAACACCCTCATGT-3'